The following is an entry in ClinVar:

NM_001122630.2(CDKN1C):c.557C>T (p.Ala186Val)

Gene: CDKN1C (cyclin dependent kinase inhibitor 1C; minus strand). Cytogenetic location: 11p15.4.
Variant type: single nucleotide variant.
Coding change: c.557C>T on transcript NM_001122630.2 (MANE Select); coding-DNA position 557, C replaced by T.
Protein change: p.Ala186Val; replaces alanine 186 with valine.
Molecular consequence: missense variant. On other transcripts: intron variant (1).
Genome position (GRCh38, 1-based): chr11:2,884,900, G>A on the plus strand (C>T on the coding strand, the complement: CDKN1C is on the minus strand). VCF-style: chr11-2884900-G-A. GRCh37 (hg19) VCF-style: chr11-2906130-G-A.
Other names: c.590C>T, p.Ala197Val (NM_000076.2, NM_001362474.2); c.557C>T, p.Ala186Val (NM_001122631.2); c.255+302C>T (NM_001362475.2); short protein forms A186V, A197V.
Identifiers: ClinVar variation 1495042 (VCV001495042.6), dbSNP rs1590149706, ClinGen allele CA379146382.

ClinVar aggregate classification (germline): Uncertain significance (1 of 4 stars; one submission).

Conditions:
Beckwith-Wiedemann syndrome (BWS). Also called: Exomphalos macroglossia gigantism syndrome; EMG SYNDROME. Identifiers: Orphanet 116, MedGen C0004903, MONDO:0007534, OMIM 130650.

Allele frequency attached by ClinVar (database versions not stated): gnomAD 0.00001; gnomAD exomes 0.00001.
gnomAD v4.1: 6 of 866,952 alleles (0.00069%); highest among the groups gnomAD compares: East Asian, 0.05%; no homozygotes.

Submission:

Labcorp Genetics (formerly Invitae), Labcorp
Classification: Uncertain significance for Beckwith-Wiedemann syndrome. Last evaluated: 2023-11-15. Review status: criteria provided, single submitter. Criteria: Invitae Variant Classification Sherloc (09022015). Collection method: clinical testing. Allele origin: germline.
Comment: This sequence change replaces alanine, which is neutral and non-polar, with valine, which is neutral and non-polar, at codon 197 of the CDKN1C protein (p.Ala197Val). The frequency data for this variant in the population databases is considered unreliable, as metrics indicate insufficient coverage at this position in the gnomAD database. This variant has not been reported in the literature in individuals affected with CDKN1C-related conditions. ClinVar contains an entry for this variant (Variation ID: 1495042). Advanced modeling of protein sequence and biophysical properties (such as structural, functional, and spatial information, amino acid conservation, physicochemical variation, residue mobility, and thermodynamic stability) performed at Invitae indicates that this missense variant is not expected to disrupt CDKN1C protein function with a negative predictive value of 80%. In summary, the available evidence is currently insufficient to determine the role of this variant in disease. Therefore, it has been classified as a Variant of Uncertain Significance.